The following is an entry in ClinVar:

ClinVar aggregate classification (germline): Benign (1 of 4 stars; one submission).

Conditions:
Leigh syndrome (NULS). Also called: Leigh's necrotizing encephalopathy; Leigh's disease; Leigh Syndrome (mtDNA deletion); Leigh Disease; Subacute necrotizing encephalopathy; Necrotizing encephalopathy infantile subacute of Leigh. Identifiers: Orphanet 506, MedGen C2931891, MONDO:0009723, OMIM 256000.

Submission:

Wong Mito Lab, Molecular and Human Genetics, Baylor College of Medicine
Classification: Benign for Leigh syndrome. Last evaluated: 2019-10-17. Review status: criteria provided, single submitter. Criteria: Modified ACMG Guidelines (Unpublished). Collection method: clinical testing. Allele origin: germline.
Comment: The NC_012920.1:m.3746C>T (YP_003024026.1:p.Ala147Val) variant in MTND1 gene is interpretated to be a Benign variant based on the modified ACMG guidelines (unpublished). This variant meets the following evidence codes: BS1, BS4, BP4

NC_012920.1(MT-ND1):m.3746C>T

Gene: MT-ND1 (mitochondrially encoded NADH dehydrogenase 1; plus strand).
Variant type: single nucleotide variant.
Genome position: chrM-3746-C-T.
Identifiers: ClinVar variation 692395 (VCV000692395.1), dbSNP rs199684756, ClinGen allele CA337096664.